The following is an entry in ClinVar:

NM_020227.4(PRDM9):c.2496T>C (p.Tyr832=)

Gene: PRDM9 (PR/SET domain 9; plus strand). Cytogenetic location: 5p14.2.
Variant type: single nucleotide variant.
Coding change: c.2496T>C on transcript NM_020227.4 (MANE Select); coding-DNA position 2496, T replaced by C.
Protein change: p.Tyr832=; no amino-acid change (tyrosine 832 retained).
Molecular consequence: synonymous variant.
Genome position (GRCh38, 1-based): chr5:23,527,584, T>C. VCF-style: chr5-23527584-T-C. GRCh37 (hg19) VCF-style: chr5-23527693-T-C.
Other names: c.2496T>C, p.Tyr832= (NM_001376900.1).
Identifiers: ClinVar variation 3388281 (VCV003388281.14).

ClinVar aggregate classification (germline): Likely benign (1 of 4 stars; one submission).

Submission:

CeGaT Center for Human Genetics Tuebingen
Classification: Likely benign. Last evaluated: 2024-10-01. Review status: criteria provided, single submitter. Criteria: CeGaT Center For Human Genetics Tuebingen Variant Classification Criteria Version 2. Collection method: clinical testing. Allele origin: germline. Affected: yes. Observed: 1 variant allele.
Comment: PRDM9: BP4, BP7